The following is an entry in ClinVar:

ClinVar aggregate classification (germline): Likely benign. Review status: criteria provided, single submitter (1 of 4 stars). 2 submissions from 2 submitters: Likely benign (1). 1 of the submissions does not count toward it. Last evaluated 2026-01-26.

Conditions:
CYFIP2-related disorder. Also called: CYFIP2-related condition.

gnomAD v4.1: 12 of 1,611,326 alleles (0.00074%); highest among the groups gnomAD compares: Non-Finnish European, 0.001%; no homozygotes.

Submissions (2):

Labcorp Genetics (formerly Invitae), Labcorp
Classification: Likely benign. Last evaluated: 2026-01-26. Review status: criteria provided, single submitter. Criteria: Invitae Variant Classification Sherloc (09022015). Collection method: clinical testing. Allele origin: germline.

PreventionGenetics, part of Exact Sciences
Classification: Uncertain significance for CYFIP2-related condition. Last evaluated: 2024-06-28. Review status: no assertion criteria provided. Collection method: clinical testing. Allele origin: germline. Not counted in ClinVar's aggregate classification.
Comment: The CYFIP2 c.3298C>T variant is predicted to result in the amino acid substitution p.Arg1100Cys. To our knowledge, this variant has not been reported in the literature. This variant is reported in 0.00091% of alleles in individuals of European (Non-Finnish) descent in gnomAD. At this time, the clinical significance of this variant is uncertain due to the absence of conclusive functional and genetic evidence.

NM_001037333.3(CYFIP2):c.3223C>T (p.Arg1075Cys)

Genes: CYFIP2 (cytoplasmic FMR1 interacting protein 2; plus strand), NIPAL4-DT (NIPAL4 divergent transcript; minus strand). Cytogenetic location: 5q33.3.
Variant type: single nucleotide variant.
Coding change: c.3223C>T on transcript NM_001037333.3 (MANE Select); coding-DNA position 3223, C replaced by T.
Protein change: p.Arg1075Cys; replaces arginine 1075 with cysteine.
Molecular consequence: missense variant.
Genome position (GRCh38, 1-based): chr5:157,389,204, C>T. VCF-style: chr5-157389204-C-T. GRCh37 (hg19) VCF-style: chr5-156816212-C-T.
Other names: c.3145C>T, p.Arg1049Cys (NM_001291721.2); c.3298C>T, p.Arg1100Cys (NM_001291722.2); c.3223C>T, p.Arg1075Cys (NM_014376.4); short protein forms R1049C, R1075C, R1100C.
Identifiers: ClinVar variation 3354565 (VCV003354565.2).